The following is an entry in ClinVar:

NM_004370.6(COL12A1):c.3149C>T (p.Thr1050Ile)

Gene: COL12A1 (collagen type XII alpha 1 chain; minus strand). Cytogenetic location: 6q13.
Variant type: single nucleotide variant.
Coding change: c.3149C>T on transcript NM_004370.6 (MANE Select); coding-DNA position 3149, C replaced by T.
Protein change: p.Thr1050Ile; replaces threonine 1050 with isoleucine.
Molecular consequence: missense variant. On other transcripts: intron variant (1).
Genome position (GRCh38, 1-based): chr6:75,156,358, G>A on the plus strand (C>T on the coding strand, the complement: COL12A1 is on the minus strand). VCF-style: chr6-75156358-G-A. GRCh37 (hg19) VCF-style: chr6-75866074-G-A.
Other names: c.74-3876C>T (NM_080645.3); short protein forms T1050I.
Identifiers: ClinVar variation 1417102 (VCV001417102.8), dbSNP rs1376226675, ClinGen allele CA364753850.

ClinVar aggregate classification (germline): Uncertain significance (1 of 4 stars; one submission).

Conditions:
Ullrich congenital muscular dystrophy 2 (UCMD2). Identifiers: Orphanet 75840, MedGen C4225314, MONDO:0014654, OMIM 616470.
Bethlem myopathy 2 (BTHLM2). Identifiers: Orphanet 536516, Orphanet 610, MedGen C4225313, MONDO:0034022, OMIM 616471.

Allele frequency attached by ClinVar (database versions not stated): gnomAD 0.00001; gnomAD exomes below 0.00001; TOPMed below 0.00001.
gnomAD v4.1: 5 of 1,613,830 alleles (0.00031%); highest among the groups gnomAD compares: Admixed American, 0.0067%; no homozygotes.

Submission:

Labcorp Genetics (formerly Invitae), Labcorp
Classification: Uncertain significance for Bethlem myopathy 2; Ullrich congenital muscular dystrophy 2. Last evaluated: 2025-05-01. Review status: criteria provided, single submitter. Criteria: Invitae Variant Classification Sherloc (09022015). Collection method: clinical testing. Allele origin: germline.
Comment: This sequence change replaces threonine, which is neutral and polar, with isoleucine, which is neutral and non-polar, at codon 1050 of the COL12A1 protein (p.Thr1050Ile). This variant is present in population databases (no rsID available, gnomAD 0.003%). This variant has not been reported in the literature in individuals affected with COL12A1-related conditions. ClinVar contains an entry for this variant (Variation ID: 1417102). Invitae Evidence Modeling of protein sequence and biophysical properties (such as structural, functional, and spatial information, amino acid conservation, physicochemical variation, residue mobility, and thermodynamic stability) indicates that this missense variant is not expected to disrupt COL12A1 protein function with a negative predictive value of 80%. In summary, the available evidence is currently insufficient to determine the role of this variant in disease. Therefore, it has been classified as a Variant of Uncertain Significance.